The following is an entry in ClinVar:

ClinVar aggregate classification (germline): Uncertain significance (1 of 4 stars; one submission).

gnomAD v4.1: 86 of 1,613,642 alleles (0.0053%); highest among the groups gnomAD compares: South Asian, 0.055%; no homozygotes.

Submission:

Quest Diagnostics Nichols Institute San Juan Capistrano
Classification: Uncertain significance. Last evaluated: 2024-10-09. Review status: criteria provided, single submitter. Criteria: Quest Diagnostics criteria. Collection method: clinical testing. Allele origin: unknown.
Comment: The VWF c.1468G>A (p.Val490Met) variant has not been reported in individuals with VWF-related conditions in the published literature. The frequency of this variant in the general population, 0.00052 (16/30586 chromosomes (Genome Aggregation Database)), is uninformative in the assessment of its pathogenicity. Analysis of this variant using bioinformatics tools for the prediction of the effect of amino acid changes on protein structure and function yielded conflicting predictions that this variant is benign or damaging. Based on the available information, we are unable to determine the clinical significance of this variant.

NM_000552.5(VWF):c.1468G>A (p.Val490Met)

Gene: VWF (von Willebrand factor; minus strand). Cytogenetic location: 12p13.31.
Variant type: single nucleotide variant.
Coding change: c.1468G>A on transcript NM_000552.5 (MANE Select); coding-DNA position 1468, G replaced by A.
Protein change: p.Val490Met; replaces valine 490 with methionine.
Molecular consequence: missense variant.
Genome position (GRCh38, 1-based): chr12:6,063,019, C>T on the plus strand (G>A on the coding strand, the complement: VWF is on the minus strand). VCF-style: chr12-6063019-C-T. GRCh37 (hg19) VCF-style: chr12-6172185-C-T.
Other names: short protein forms V490M.
Identifiers: ClinVar variation 3572154 (VCV003572154.1).